The following is an entry in ClinVar:

NM_000245.4(MET):c.179A>C (p.His60Pro)

Gene: MET (MET proto-oncogene, receptor tyrosine kinase; plus strand). Cytogenetic location: 7q31.2.
Variant type: single nucleotide variant.
Coding change: c.179A>C on transcript NM_000245.4 (MANE Select); coding-DNA position 179, A replaced by C.
Protein change: p.His60Pro; replaces histidine 60 with proline.
Molecular consequence: missense variant. On other transcripts: intron variant (1).
Genome position (GRCh38, 1-based): chr7:116,699,263, A>C. VCF-style: chr7-116699263-A-C. GRCh37 (hg19) VCF-style: chr7-116339317-A-C.
Other names: c.179A>C, p.His60Pro (NM_001127500.3, NM_001324401.3); c.-91+26686A>C (NM_001324402.2); short protein forms H60P.
Identifiers: ClinVar variation 5024374 (VCV005024374.1).
Genomic context (GRCh38, chr7:116,699,263, plus strand): 5'-AGTATCAGCTTCCCAACTTCACCGCGGAAACACCCATCCAGAATGTCATTCTACATGAGC[A>C]TCACATTTTCCTTGGTGCCACTAACTACATTTATGTTTTAAATGAGGAAGACCTTCAGAA-3'
Protein context (NP_000236.2, residues 50-70): TPIQNVILHE[His60Pro]HIFLGATNYI

ClinVar aggregate classification (germline): Uncertain significance (1 of 4 stars; one submission).

Conditions:
Hereditary cancer-predisposing syndrome. Also called: Neoplastic Syndromes, Hereditary; Tumor predisposition; Hereditary neoplastic syndrome; Hereditary Cancer Syndrome. Identifiers: Orphanet 140162, MedGen C0027672, MeSH D009386, MONDO:0015356.

Submission:

Ambry Genetics
Classification: Uncertain significance for Hereditary cancer-predisposing syndrome. Last evaluated: 2026-07-07. Review status: criteria provided, single submitter. Criteria: Ambry Variant Classification Scheme 2023. Collection method: clinical testing. Allele origin: germline.
Comment: The p.H60P variant (also known as c.179A>C), located in coding exon 1 of the MET gene, results from an A to C substitution at nucleotide position 179. The histidine at codon 60 is replaced by proline, an amino acid with similar properties. This amino acid position is conserved. In addition, this alteration is predicted to be tolerated by in silico analysis. Based on the available evidence, the clinical significance of this variant remains unclear.